The following is an entry in ClinVar:

ClinVar aggregate classification (germline): Pathogenic. Review status: criteria provided, multiple submitters, no conflicts (2 of 4 stars). 2 submissions from 2 submitters: Pathogenic (2). Last evaluated 2021-03-09.

Conditions:
Primary ciliary dyskinesia. Also called: Ciliary dyskinesia. Identifiers: Orphanet 244, MedGen C0008780, MONDO:0016575, HP:0012265.
Primary ciliary dyskinesia 7. Also called: CILIARY DYSKINESIA, PRIMARY, 7, WITH OR WITHOUT SITUS INVERSUS. Identifiers: Orphanet 244, MedGen C2678473, MONDO:0012748, OMIM 611884.

Allele frequency attached by ClinVar (database versions not stated): gnomAD exomes below 0.00001; gnomAD 0.00001; TOPMed 0.00001.
gnomAD v4.1: 5 of 1,613,842 alleles (0.00031%); highest among the groups gnomAD compares: Non-Finnish European, 0.00042%; no homozygotes.

Submissions (2):

Labcorp Genetics (formerly Invitae), Labcorp
Classification: Pathogenic for Primary ciliary dyskinesia. Last evaluated: 2021-03-09. Review status: criteria provided, single submitter. Criteria: Invitae Variant Classification Sherloc (09022015). Collection method: clinical testing. Allele origin: germline.
Comment: Loss-of-function variants in DNAH11 are known to be pathogenic (PMID: 18022865, 20513915, 22184204). This sequence change creates a premature translational stop signal (p.Gln2916*) in the DNAH11 gene. It is expected to result in an absent or disrupted protein product. This variant is not present in population databases (ExAC no frequency). This variant has not been reported in the literature in individuals with DNAH11-related disease. ClinVar contains an entry for this variant (Variation ID: 208572). For these reasons, this variant has been classified as Pathogenic.

Laboratory for Molecular Medicine, Mass General Brigham Personalized Medicine
Classification: Pathogenic for Ciliary dyskinesia, primary, 7. Last evaluated: 2014-08-01. Review status: criteria provided, single submitter. Criteria: LMM Criteria. Collection method: clinical testing. Allele origin: germline. Inheritance: Autosomal recessive inheritance. Observed: 1 variant allele. Study: CSER-MedSeq.
Comment: The Gln2916X variant in DNAH11 has not been previously reported in individuals with PCD or in large population studies. This nonsense variant leads to a premature termination codon at position 2916, which is predicted to lead to a truncated or absent protein. Complete loss of DNAH11 function is an established disease mechanism in PCD. In summary, this variant meets our criteria to be classified as pathogenic.

Literature cited by the submitters: PubMed 18022865 (cited by Labcorp Genetics (formerly Invitae), Labcorp); PubMed 20513915 (cited by Labcorp Genetics (formerly Invitae), Labcorp); PubMed 22184204 (cited by Labcorp Genetics (formerly Invitae), Labcorp).

NM_001277115.2(DNAH11):c.8746C>T (p.Gln2916Ter)

Gene: DNAH11 (dynein axonemal heavy chain 11; plus strand). Cytogenetic location: 7p15.3.
Variant type: single nucleotide variant.
Coding change: c.8746C>T on transcript NM_001277115.2 (MANE Select); coding-DNA position 8746, C replaced by T.
Protein change: p.Gln2916Ter; replaces glutamine 2916 with a stop codon.
Molecular consequence: nonsense.
Genome position (GRCh38, 1-based): chr7:21,749,750, C>T. VCF-style: chr7-21749750-C-T. GRCh37 (hg19) VCF-style: chr7-21789368-C-T.
Other names: short protein forms Q2916*.
Identifiers: ClinVar variation 208572 (VCV000208572.12), dbSNP rs797045085, ClinGen allele CA275990.
Genomic context (GRCh38, chr7:21,749,750, plus strand): 5'-AATTTGTACATCCGAACTGGAGCCAAGAACATGCCCACTGTGTTCCTGCTGACAGATGCC[C>T]AGGTTCTAGATGAGAGCTTCCTCGTGCTGATTAATGACTTGCTGGCATCAGGTGATTAAA-3'